The following is an entry in ClinVar:

NM_017934.7(PHIP):c.440C>T (p.Ala147Val)

Gene: PHIP (PHIP subunit of CUL4-Ring ligase complex; minus strand). Cytogenetic location: 6q14.1.
Variant type: single nucleotide variant.
Coding change: c.440C>T on transcript NM_017934.7 (MANE Select); coding-DNA position 440, C replaced by T.
Protein change: p.Ala147Val; replaces alanine 147 with valine.
Molecular consequence: missense variant.
Genome position (GRCh38, 1-based): chr6:79,043,003, G>A on the plus strand (C>T on the coding strand, the complement: PHIP is on the minus strand). VCF-style: chr6-79043003-G-A. GRCh37 (hg19) VCF-style: chr6-79752720-G-A.
Other names: c.440C>T (NM_017934.6); short protein forms A147V.
Identifiers: ClinVar variation 2915419 (VCV002915419.4), dbSNP rs185895794, ClinGen allele CA3900363.

ClinVar aggregate classification (germline): Uncertain significance. Review status: criteria provided, single submitter (1 of 4 stars). 2 submissions from 2 submitters: Uncertain significance (1). 1 of the submissions does not count toward it. Last evaluated 2025-07-28.

Conditions:
PHIP-related disorder. Also called: PHIP-related condition; PHIP-related disorders.

Allele frequency attached by ClinVar (database versions not stated): gnomAD exomes 0.00001.
gnomAD v4.1: 19 of 1,599,482 alleles (0.0012%); highest among the groups gnomAD compares: African/African-American, 0.0095%; no homozygotes.

Submissions (2):

Labcorp Genetics (formerly Invitae), Labcorp
Classification: Uncertain significance. Last evaluated: 2025-07-28. Review status: criteria provided, single submitter. Criteria: Invitae Variant Classification Sherloc (09022015). Collection method: clinical testing. Allele origin: germline.
Comment: This sequence change replaces alanine, which is neutral and non-polar, with valine, which is neutral and non-polar, at codon 147 of the PHIP protein (p.Ala147Val). This variant is present in population databases (rs185895794, gnomAD 0.01%). This missense change has been observed in individual(s) with autism (PMID: 30564305). ClinVar contains an entry for this variant (Variation ID: 2915419). Invitae Evidence Modeling of protein sequence and biophysical properties (such as structural, functional, and spatial information, amino acid conservation, physicochemical variation, residue mobility, and thermodynamic stability) indicates that this missense variant is not expected to disrupt PHIP protein function with a negative predictive value of 95%. In summary, the available evidence is currently insufficient to determine the role of this variant in disease. Therefore, it has been classified as a Variant of Uncertain Significance.

PreventionGenetics, part of Exact Sciences
Classification: Uncertain significance for PHIP-related condition. Last evaluated: 2024-07-16. Review status: no assertion criteria provided. Collection method: clinical testing. Allele origin: germline. Not counted in ClinVar's aggregate classification.
Comment: The PHIP c.440C>T variant is predicted to result in the amino acid substitution p.Ala147Val. This variant was reported in an individual with Autism spectrum disorder (Supplemental Data 3; Guo et al. 2018. PubMed ID: 30564305). This variant is reported in 0.012% of alleles in individuals of African descent in gnomAD. At this time, the clinical significance of this variant is uncertain due to the absence of conclusive functional and genetic evidence.

Literature cited by the submitters: PubMed 30564305 (cited by Labcorp Genetics (formerly Invitae), Labcorp).